The following is an entry in ClinVar:

NM_024665.7(TBL1XR1):c.1527A>C (p.Val509=)

Gene: TBL1XR1 (TBL1X/Y related 1; minus strand). Cytogenetic location: 3q26.32.
Variant type: single nucleotide variant.
Coding change: c.1527A>C on transcript NM_024665.7 (MANE Select); coding-DNA position 1527, A replaced by C.
Protein change: p.Val509=; no amino-acid change (valine 509 retained).
Molecular consequence: synonymous variant.
Genome position (GRCh38, 1-based): chr3:177,025,516, T>G on the plus strand (A>C on the coding strand, the complement: TBL1XR1 is on the minus strand). VCF-style: chr3-177025516-T-G. GRCh37 (hg19) VCF-style: chr3-176743304-T-G.
Other names: c.1527A>C, p.Val509= (NM_001321193.3, NM_001321194.3, NM_001374327.1 and 2 more transcripts); c.1266A>C, p.Val422= (NM_001321195.3, NM_001374330.1).
Identifiers: ClinVar variation 799265 (VCV000799265.15), dbSNP rs768850049, ClinGen allele CA2709730.

ClinVar aggregate classification (germline): Likely benign. Review status: criteria provided, multiple submitters, no conflicts (2 of 4 stars). 4 submissions from 4 submitters: Likely benign (4). Last evaluated 2026-06-01.

Conditions:
Pierpont syndrome (PRPTS). Identifiers: Orphanet 487825, MedGen C1865644, MONDO:0011213, OMIM 602342.
Inborn genetic diseases. Identifiers: MedGen C0950123, MeSH D030342.

Allele frequency attached by ClinVar (database versions not stated): gnomAD 0.00001; TOPMed 0.00001; gnomAD exomes 0.00002 and 0.00003; ExAC 0.00005.
gnomAD v4.1: 39 of 1,612,666 alleles (0.0024%); highest among the groups gnomAD compares: Middle Eastern, 0.053%; no homozygotes.

Submissions (4):

CeGaT Center for Human Genetics Tuebingen
Classification: Likely benign. Last evaluated: 2026-06-01. Review status: criteria provided, single submitter. Criteria: CeGaT Center For Human Genetics Tuebingen Variant Classification Criteria Version 2. Collection method: clinical testing. Allele origin: germline. Affected: yes. Observed: 1 variant allele.
Comment: TBL1XR1: BP4, BP7

Labcorp Genetics (formerly Invitae), Labcorp
Classification: Likely benign for Pierpont syndrome. Last evaluated: 2026-01-12. Review status: criteria provided, single submitter. Criteria: Invitae Variant Classification Sherloc (09022015). Collection method: clinical testing. Allele origin: germline.

Blueprint Genetics
Classification: Likely benign. Last evaluated: 2023-02-07. Review status: criteria provided, single submitter. Criteria: ACMG Guidelines, 2015. Collection method: clinical testing. Allele origin: germline.

Ambry Genetics
Classification: Likely benign for Inborn genetic diseases. Last evaluated: 2018-06-12. Review status: criteria provided, single submitter. Criteria: Ambry Variant Classification Scheme 2023. Collection method: clinical testing. Allele origin: germline.